The following is an entry in ClinVar:

NM_000170.3(GLDC):c.83C>T (p.Pro28Leu)

Gene: GLDC (glycine decarboxylase; minus strand). Cytogenetic location: 9p24.1.
Variant type: single nucleotide variant.
Coding change: c.83C>T on transcript NM_000170.3 (MANE Select); coding-DNA position 83, C replaced by T.
Protein change: p.Pro28Leu; replaces proline 28 with leucine.
Molecular consequence: missense variant.
Genome position (GRCh38, 1-based): chr9:6,645,417, G>A on the plus strand (C>T on the coding strand, the complement: GLDC is on the minus strand). VCF-style: chr9-6645417-G-A. GRCh37 (hg19) VCF-style: chr9-6645417-G-A.
Other names: short protein forms P28L.
Identifiers: ClinVar variation 1029692 (VCV001029692.2), dbSNP rs1819724719, ClinGen allele CA372887254.
Genomic context (GRCh38, chr9:6,645,417, plus strand): 5'-CCAGCCGCGGCGCTGTCCCCGCCGCCACTGCTGCTGTCCCGGCTCCGCGGCGCCCAGCAC[G>A]GCCCCGATCCCCCAGCCAGGCGGCGGCCGCCCCCGACCCCGCGGCCCAGGCGCAGCCCCC-3'
Protein context (NP_000161.2, residues 18-38): GGRRLAGGSG[Pro28Leu]CWAPRSRDSS

ClinVar aggregate classification (germline): Uncertain significance. Review status: criteria provided, multiple submitters, no conflicts (2 of 4 stars). 2 submissions from 2 submitters: Uncertain significance (2). Last evaluated 2019-12-20.

Conditions:
Glycine encephalopathy. Also called: Nonketotic hyperglycinemia; Non-ketotic hyperglycinemia. Identifiers: Orphanet 407, MedGen C0751748, MONDO:0011612, HP:0008288.

Submissions (2):

Baylor Genetics
Classification: Uncertain significance for Glycine encephalopathy 1. Last evaluated: 2019-12-20. Review status: criteria provided, single submitter. Criteria: ACMG Guidelines, 2015. Collection method: clinical testing. Allele origin: unknown. Affected: yes.
Comment: This variant was determined to be of uncertain significance according to ACMG Guidelines, 2015 [PMID:25741868].

Breakthrough Genomics
Classification: Uncertain significance. Review status: criteria provided, single submitter. Criteria: ACMG Guidelines, 2015. Collection method: not provided. Allele origin: germline. Inheritance: Autosomal recessive inheritance. Affected: yes.